The following is an entry in ClinVar:

NM_000321.3(RB1):c.855A>G (p.Ile285Met)

Gene: RB1 (RB transcriptional corepressor 1; plus strand). Cytogenetic location: 13q14.2.
Variant type: single nucleotide variant.
Coding change: c.855A>G on transcript NM_000321.3 (MANE Select); coding-DNA position 855, A replaced by G.
Protein change: p.Ile285Met; replaces isoleucine 285 with methionine.
Molecular consequence: missense variant.
Genome position (GRCh38, 1-based): chr13:48,362,951, A>G. VCF-style: chr13-48362951-A-G. GRCh37 (hg19) VCF-style: chr13-48937087-A-G.
Other names: short protein forms I285M.
Identifiers: ClinVar variation 1387971 (VCV001387971.10), dbSNP rs1566192594, ClinGen allele CA388159700.

ClinVar aggregate classification (germline): Uncertain significance. Review status: criteria provided, multiple submitters, no conflicts (2 of 4 stars). 2 submissions from 2 submitters: Uncertain significance (2). Last evaluated 2025-09-03.

Conditions:
Hereditary cancer-predisposing syndrome. Also called: Neoplastic Syndromes, Hereditary; Tumor predisposition; Hereditary neoplastic syndrome; Hereditary Cancer Syndrome. Identifiers: Orphanet 140162, MedGen C0027672, MeSH D009386, MONDO:0015356.
Retinoblastoma (RB1). Also called: RETINOBLASTOMA, SOMATIC. Identifiers: Orphanet 790, MedGen C0035335, MeSH D012175, MONDO:0008380, OMIM 180200, HP:0009919. Disease mechanism: loss of function. Inheritance: Both sporadic and heritable forms are tested..

Allele frequency attached by ClinVar (database versions not stated): gnomAD exomes below 0.00001 and 0.00001.
gnomAD v4.1: 3 of 1,612,410 alleles (0.00019%); highest among the groups gnomAD compares: Non-Finnish European, 0.00025%; no homozygotes.

Submissions (2):

Labcorp Genetics (formerly Invitae), Labcorp
Classification: Uncertain significance for Retinoblastoma. Last evaluated: 2025-09-03. Review status: criteria provided, single submitter. Criteria: Invitae Variant Classification Sherloc (09022015). Collection method: clinical testing. Allele origin: germline.
Comment: This sequence change replaces isoleucine, which is neutral and non-polar, with methionine, which is neutral and non-polar, at codon 285 of the RB1 protein (p.Ile285Met). This variant is not present in population databases (gnomAD no frequency). This variant has not been reported in the literature in individuals affected with RB1-related conditions. ClinVar contains an entry for this variant (Variation ID: 1387971). Invitae Evidence Modeling of protein sequence and biophysical properties (such as structural, functional, and spatial information, amino acid conservation, physicochemical variation, residue mobility, and thermodynamic stability) indicates that this missense variant is not expected to disrupt RB1 protein function with a negative predictive value of 80%. In summary, the available evidence is currently insufficient to determine the role of this variant in disease. Therefore, it has been classified as a Variant of Uncertain Significance.

Ambry Genetics
Classification: Uncertain significance for Hereditary cancer-predisposing syndrome. Last evaluated: 2025-03-31. Review status: criteria provided, single submitter. Criteria: Ambry Variant Classification Scheme 2023. Collection method: clinical testing. Allele origin: germline.
Comment: The p.I285M variant (also known as c.855A>G), located in coding exon 8 of the RB1 gene, results from an A to G substitution at nucleotide position 855. The isoleucine at codon 285 is replaced by methionine, an amino acid with highly similar properties. This amino acid position is well conserved in available vertebrate species. In addition, this alteration is predicted to be tolerated by in silico analysis. Since supporting evidence is limited at this time, the clinical significance of this alteration remains unclear.